The following is an entry in ClinVar:

NM_181552.4(CUX1):c.275T>C (p.Val92Ala)

Genes: CUX1 (cut like homeobox 1; plus strand), LOC126860126 (P300/CBP strongly-dependent group 1 enhancer GRCh37_chr7:101740358-101741557; plus strand). Cytogenetic location: 7q22.1.
Variant type: single nucleotide variant.
Coding change: c.275T>C on transcript NM_181552.4 (MANE Select); coding-DNA position 275, T replaced by C.
Protein change: p.Val92Ala; replaces valine 92 with alanine.
Molecular consequence: missense variant. On other transcripts: intron variant (1).
Genome position (GRCh38, 1-based): chr7:102,097,370, T>C. VCF-style: chr7-102097370-T-C. GRCh37 (hg19) VCF-style: chr7-101740650-T-C.
Other names: c.308T>C, p.Val103Ala (NM_001202543.2, NM_001913.5, NM_181500.4); c.260T>C, p.Val87Ala (NM_001202544.3); c.197T>C, p.Val66Ala (NM_001202546.3); c.302-6966T>C (NM_001202545.3); short protein forms V103A, V66A, V92A, V87A.
Identifiers: ClinVar variation 1027902 (VCV001027902.1), dbSNP rs782042708, ClinGen allele CA4410424.

ClinVar aggregate classification (germline): Uncertain significance (1 of 4 stars; one submission).

Conditions:
Global developmental delay with or without impaired intellectual development. Identifiers: MedGen C5193032, MONDO:0032680, OMIM 618330.

Allele frequency attached by ClinVar (database versions not stated): ExAC 0.00001; gnomAD exomes below 0.00001.
gnomAD v4.1: 2 of 1,607,956 alleles (0.00012%); highest among the groups gnomAD compares: South Asian, 0.0011%; no homozygotes.

Submission:

Baylor Genetics
Classification: Uncertain significance for Global developmental delay with or without impaired intellectual development. Last evaluated: 2020-02-06. Review status: criteria provided, single submitter. Criteria: ACMG Guidelines, 2015. Collection method: clinical testing. Allele origin: unknown. Affected: yes.
Comment: This variant was determined to be of uncertain significance according to ACMG Guidelines, 2015 [PMID:25741868].